The following is an entry in ClinVar:

ClinVar aggregate classification (germline): Likely benign (1 of 4 stars; one submission).

gnomAD v4.1: 181 of 257,216 alleles (0.07%); highest among the groups gnomAD compares: Middle Eastern, 0.92%; 2 homozygotes.

Submission:

CeGaT Center for Human Genetics Tuebingen
Classification: Likely benign. Last evaluated: 2025-02-01. Review status: criteria provided, single submitter. Criteria: CeGaT Center For Human Genetics Tuebingen Variant Classification Criteria Version 2. Collection method: clinical testing. Allele origin: germline. Affected: yes. Observed: 1 variant allele.
Comment: TAF4: BP4, BS1

NM_003185.4(TAF4):c.531C>T (p.Gly177=)

Gene: TAF4 (TATA-box binding protein associated factor 4; minus strand). Cytogenetic location: 20q13.33.
Variant type: single nucleotide variant.
Coding change: c.531C>T on transcript NM_003185.4 (MANE Select); coding-DNA position 531, C replaced by T.
Protein change: p.Gly177=; no amino-acid change (glycine 177 retained).
Molecular consequence: synonymous variant.
Genome position (GRCh38, 1-based): chr20:62,065,280, G>A on the plus strand (C>T on the coding strand, the complement: TAF4 is on the minus strand). VCF-style: chr20-62065280-G-A. GRCh37 (hg19) VCF-style: chr20-60640336-G-A.
Identifiers: ClinVar variation 3770985 (VCV003770985.13).